The following is an entry in ClinVar:

ClinVar aggregate classification (germline): Conflicting classifications of pathogenicity. Review status: criteria provided, conflicting classifications (1 of 4 stars). 5 submissions from 5 submitters: Uncertain significance (4); Likely benign (1). Last evaluated 2026-06-22.

Conditions:
DSP-related disorder. Also called: DSP-related condition; DSP-related disorders.
Cardiovascular phenotype. Identifiers: MedGen CN230736.
Arrhythmogenic cardiomyopathy with wooly hair and keratoderma. Also called: PALMOPLANTAR KERATODERMA WITH LEFT VENTRICULAR CARDIOMYOPATHY AND WOOLLY HAIR; Carvajal syndrome; Dilated cardiomyopathy with woolly hair and keratoderma; Arrhythmogenic cardiomyopathy with woolly hair and keratoderma. Identifiers: Orphanet 65282, MedGen C1854063, MONDO:0011581, OMIM 605676.
Arrhythmogenic right ventricular dysplasia 8 (ARVD8). Also called: Arrhythmogenic Right Ventricular Dysplasia/Cardiomyopathy 8; ARRHYTHMOGENIC RIGHT VENTRICULAR CARDIOMYOPATHY 8; ARRHYTHMOGENIC RIGHT VENTRICULAR DYSPLASIA, FAMILIAL, 8. Identifiers: MedGen C1843896, MONDO:0011831, OMIM 607450.
Cardiomyopathy (CMYO). Also called: Cardiomyopathies. Identifiers: Orphanet 167848, MedGen C0878544, MONDO:0004994, HP:0001638. Inheritance: Various modes of inheritance.

Allele frequency attached by ClinVar (database versions not stated): ExAC 0.00001; gnomAD 0.00001; gnomAD exomes 0.00001; TOPMed 0.00003.
gnomAD v4.1: 19 of 1,614,022 alleles (0.0012%); highest among the groups gnomAD compares: Middle Eastern, 0.016%; no homozygotes.

Submissions (5):

Women's Health and Genetics/Laboratory Corporation of America, LabCorp
Classification: Uncertain significance. Last evaluated: 2026-06-22. Review status: criteria provided, single submitter. Criteria: LabCorp Variant Classification Summary - May 2015. Collection method: clinical testing. Allele origin: germline.
Comment: Variant summary: DSP c.6241G>A (p.Asp2081Asn) results in a conservative amino acid change in the encoded protein sequence. Algorithms developed to predict the effect of missense changes on protein structure and function are either unavailable or do not agree on the potential impact of this missense change. The variant allele was found at a frequency of 8e-06 in 251160 control chromosomes (gnomAD). The available data on variant occurrences in the general population are insufficient to allow any conclusion about variant significance. c.6241G>A has been observed in an individual affected with (an unspecified form of) cardiomyopathy (e.g. Dellefave-Castillo_2022) and was also found in an unaffected individual (e.g. Mazzarotto_2020). These reports do not provide unequivocal conclusions about association of the variant with disease. To our knowledge, no experimental evidence demonstrating an impact on protein function has been reported. The following publications have been ascertained in the context of this evaluation (PMID: 31983221, 35947370). ClinVar contains an entry for this variant (Variation ID: 920557). Based on the evidence outlined above, the variant was classified as uncertain significance.

PreventionGenetics, part of Exact Sciences
Classification: Uncertain significance for DSP-related condition. Last evaluated: 2026-05-22. Review status: criteria provided, single submitter. Criteria: ACMG Guidelines, 2015. Collection method: clinical testing. Allele origin: germline.
Comment: The DSP c.6241G>A variant is predicted to result in the amino acid substitution p.Asp2081Asn. To our knowledge, this variant has not been reported in the literature. This variant is reported in 0.0056% of alleles in individuals of Latino descent in gnomAD. At this time, the clinical significance of this variant is uncertain due to the absence of conclusive functional and genetic evidence.

Labcorp Genetics (formerly Invitae), Labcorp
Classification: Likely benign for Arrhythmogenic cardiomyopathy with wooly hair and keratoderma; Arrhythmogenic right ventricular dysplasia 8. Last evaluated: 2025-12-31. Review status: criteria provided, single submitter. Criteria: Invitae Variant Classification Sherloc (09022015). Collection method: clinical testing. Allele origin: germline.

Ambry Genetics
Classification: Uncertain significance for Cardiovascular phenotype. Last evaluated: 2025-01-07. Review status: criteria provided, single submitter. Criteria: Ambry Variant Classification Scheme 2023. Collection method: clinical testing. Allele origin: germline.
Comment: The p.D2081N variant (also known as c.6241G>A), located in coding exon 24 of the DSP gene, results from a G to A substitution at nucleotide position 6241. The aspartic acid at codon 2081 is replaced by asparagine, an amino acid with highly similar properties. This amino acid position is not well conserved in available vertebrate species. In addition, this alteration is predicted to be tolerated by in silico analysis. Based on the available evidence, the clinical significance of this variant remains unclear.

Color Diagnostics, LLC DBA Color Health
Classification: Uncertain significance for Cardiomyopathy. Last evaluated: 2023-09-20. Review status: criteria provided, single submitter. Criteria: ACMG Guidelines, 2015. Collection method: clinical testing. Allele origin: germline.
Comment: This missense variant replaces aspartic acid with asparagine at codon 2081 of the DSP protein. Computational prediction suggests that this variant may not impact protein structure and function (internally defined REVEL score threshold <= 0.5, PMID: 27666373). To our knowledge, functional studies have not been reported for this variant. This variant has not been reported in individuals affected with cardiovascular disorders in the literature. This variant has been identified in 3/282540 chromosomes in the general population by the Genome Aggregation Database (gnomAD). The available evidence is insufficient to determine the role of this variant in disease conclusively. Therefore, this variant is classified as a Variant of Uncertain Significance.

Literature cited by the submitters: PubMed 31983221 (cited by Women's Health and Genetics/Laboratory Corporation of America, LabCorp); PubMed 35947370 (cited by Women's Health and Genetics/Laboratory Corporation of America, LabCorp).

NM_004415.4(DSP):c.6241G>A (p.Asp2081Asn)

Gene: DSP (desmoplakin; plus strand). Cytogenetic location: 6p24.3.
Variant type: single nucleotide variant.
Coding change: c.6241G>A on transcript NM_004415.4 (MANE Select); coding-DNA position 6241, G replaced by A.
Protein change: p.Asp2081Asn; replaces aspartic acid 2081 with asparagine.
Molecular consequence: missense variant.
Genome position (GRCh38, 1-based): chr6:7,583,503, G>A. VCF-style: chr6-7583503-G-A. GRCh37 (hg19) VCF-style: chr6-7583736-G-A.
Other names: c.4444G>A, p.Asp1482Asn (NM_001008844.3); c.4912G>A, p.Asp1638Asn (NM_001319034.2); c.6241G>A (NM_004415.3); short protein forms D1482N, D1638N, D2081N.
Identifiers: ClinVar variation 920557 (VCV000920557.17), dbSNP rs779129603, ClinGen allele CA047147.